The following is an entry in ClinVar:

ClinVar aggregate classification (germline): Uncertain significance (1 of 4 stars; one submission).

Submission:

Labcorp Genetics (formerly Invitae), Labcorp
Classification: Uncertain significance. Last evaluated: 2021-10-09. Review status: criteria provided, single submitter. Criteria: Invitae Variant Classification Sherloc (09022015). Collection method: clinical testing. Allele origin: germline.
Comment: This variant is not present in population databases (ExAC no frequency). In summary, the available evidence is currently insufficient to determine the role of this variant in disease. Therefore, it has been classified as a Variant of Uncertain Significance. Algorithms developed to predict the effect of missense changes on protein structure and function are either unavailable or do not agree on the potential impact of this missense change (SIFT: "Deleterious"; PolyPhen-2: "Not Available"; Align-GVGD: "Class C0"). This variant has not been reported in the literature in individuals affected with CLTC-related conditions. This sequence change replaces glutamic acid with aspartic acid at codon 1170 of the CLTC protein (p.Glu1170Asp). The glutamic acid residue is highly conserved and there is a small physicochemical difference between glutamic acid and aspartic acid.

NM_004859.4(CLTC):c.3498G>C (p.Glu1166Asp)

Gene: CLTC (clathrin heavy chain; plus strand). Cytogenetic location: 17q23.1.
Variant type: single nucleotide variant.
Coding change: c.3498G>C on transcript NM_004859.4 (MANE Select); coding-DNA position 3498, G replaced by C.
Protein change: p.Glu1166Asp; replaces glutamic acid 1166 with aspartic acid.
Molecular consequence: missense variant.
Genome position (GRCh38, 1-based): chr17:59,682,326, G>C. VCF-style: chr17-59682326-G-C. GRCh37 (hg19) VCF-style: chr17-57759687-G-C.
Other names: c.3510G>C, p.Glu1170Asp (NM_001288653.2); short protein forms E1166D, E1170D.
Identifiers: ClinVar variation 1441713 (VCV001441713.6), dbSNP rs2143593710, ClinGen allele CA400417950.
Genomic context (GRCh38, chr17:59,682,326, plus strand): 5'-CTTAGGAAACTGGGAAGAACTGGTGAAGTACTTGCAGATGGCCCGTAAGAAGGCTCGAGA[G>C]TCCTATGTGGAGACAGAACTGATATTCGCACTGGCTAAAACAAACCGCCTTGCAGAGTTA-3'
Protein context (NP_004850.1, residues 1156-1176): YLQMARKKAR[Glu1166Asp]SYVETELIFA